The following is an entry in ClinVar:

NM_002739.5(PRKCG):c.237A>T (p.Glu79Asp)

Gene: PRKCG (protein kinase C gamma; plus strand). Cytogenetic location: 19q13.42.
Variant type: single nucleotide variant.
Coding change: c.237A>T on transcript NM_002739.5 (MANE Select); coding-DNA position 237, A replaced by T.
Protein change: p.Glu79Asp; replaces glutamic acid 79 with aspartic acid.
Molecular consequence: missense variant.
Genome position (GRCh38, 1-based): chr19:53,884,195, A>T. VCF-style: chr19-53884195-A-T. GRCh37 (hg19) VCF-style: chr19-54387449-A-T.
Other names: c.237A>T, p.Glu79Asp (NM_001316329.2); short protein forms E79D.
Identifiers: ClinVar variation 2633191 (VCV002633191.2), dbSNP rs1386444880, ClinGen allele CA407412725.

ClinVar aggregate classification (germline): Uncertain significance (0 of 4 stars; one submission).

Conditions:
PRKCG-related disorder. Also called: PRKCG-related condition.

Submission:

PreventionGenetics, part of Exact Sciences
Classification: Uncertain significance for PRKCG-related condition. Last evaluated: 2024-08-06. Review status: no assertion criteria provided. Collection method: clinical testing. Allele origin: germline.
Comment: The PRKCG c.237A>T variant is predicted to result in the amino acid substitution p.Glu79Asp. To our knowledge, this variant has not been reported in the literature or in a large population database, indicating this variant is rare. At this time, the clinical significance of this variant is uncertain due to the absence of conclusive functional and genetic evidence.